The following is an entry in ClinVar:

NM_004522.3(KIF5C):c.1781T>C (p.Met594Thr)

Gene: KIF5C (kinesin family member 5C; plus strand). Cytogenetic location: 2q23.1.
Variant type: single nucleotide variant.
Coding change: c.1781T>C on transcript NM_004522.3 (MANE Select); coding-DNA position 1781, T replaced by C.
Protein change: p.Met594Thr; replaces methionine 594 with threonine.
Molecular consequence: missense variant. On other transcripts: non-coding transcript variant (1).
Genome position (GRCh38, 1-based): chr2:148,991,074, T>C. VCF-style: chr2-148991074-T-C. GRCh37 (hg19) VCF-style: chr2-149847588-T-C.
Other names: short protein forms M594T.
Identifiers: ClinVar variation 390542 (VCV000390542.27), dbSNP rs202156950, ClinGen allele CA1901524.
Genomic context (GRCh38, chr2:148,991,074, plus strand): 5'-CAGATGTGAATGGAGTCATTGAGGAGGAGTTTACCATGGCCCGCCTGTACATCAGCAAGA[T>C]GAAGTCAGAGGTCAAGTCCCTGGTGAACCGCAGCAAACAGCTCGAGAGCGCCCAGATGGA-3'
Protein context (NP_004513.1, residues 584-604): FTMARLYISK[Met594Thr]KSEVKSLVNR

ClinVar aggregate classification (germline): Benign/Likely benign. Review status: criteria provided, multiple submitters, no conflicts (2 of 4 stars). 4 submissions from 4 submitters: Benign (1); Likely benign (2). 1 of the submissions does not count toward it. Last evaluated 2025-09-01.

Conditions:
KIF5C-related disorder. Also called: KIF5C-related condition.

Allele frequency attached by ClinVar (database versions not stated): TOPMed 0.00079; gnomAD 0.00102 and 0.00111; gnomAD exomes 0.00116; ESP Exome Variant Server 0.00160.
gnomAD v4.1: 1,820 of 1,613,638 alleles (0.11%); highest among the groups gnomAD compares: Non-Finnish European, 0.15%; 2 homozygotes.

Submissions (4):

CeGaT Center for Human Genetics Tuebingen
Classification: Benign. Last evaluated: 2025-09-01. Review status: criteria provided, single submitter. Criteria: CeGaT Center For Human Genetics Tuebingen Variant Classification Criteria Version 2. Collection method: clinical testing. Allele origin: germline. Affected: yes. Observed: 3 variant alleles.
Comment: KIF5C: BS1, BS2

Blueprint Genetics
Classification: Likely benign. Last evaluated: 2024-11-26. Review status: criteria provided, single submitter. Criteria: ACMG Guidelines, 2015. Collection method: clinical testing. Allele origin: germline.

GeneDx
Classification: Likely benign. Last evaluated: 2017-09-13. Review status: criteria provided, single submitter. Criteria: GeneDx Variant Classification (06012015). Collection method: clinical testing. Allele origin: germline. Affected: yes.
Comment: This variant is considered likely benign or benign based on one or more of the following criteria: it is a conservative change, it occurs at a poorly conserved position in the protein, it is predicted to be benign by multiple in silico algorithms, and/or has population frequency not consistent with disease.

PreventionGenetics, part of Exact Sciences
Classification: Likely benign for KIF5C-related condition. Last evaluated: 2023-09-19. Review status: no assertion criteria provided. Collection method: clinical testing. Allele origin: germline. Not counted in ClinVar's aggregate classification.
Comment: This variant is classified as likely benign based on ACMG/AMP sequence variant interpretation guidelines (Richards et al. 2015 PMID: 25741868, with internal and published modifications).